The following is an entry in ClinVar:

NM_001614.5(ACTG1):c.15C>T (p.Ile5=)

Gene: ACTG1 (actin gamma 1; minus strand). Cytogenetic location: 17q25.3.
Variant type: single nucleotide variant.
Coding change: c.15C>T on transcript NM_001614.5 (MANE Select); coding-DNA position 15, C replaced by T.
Protein change: p.Ile5=; no amino-acid change (isoleucine 5 retained).
Molecular consequence: synonymous variant. On other transcripts: non-coding transcript variant (1).
Genome position (GRCh38, 1-based): chr17:81,512,340, G>A on the plus strand (C>T on the coding strand, the complement: ACTG1 is on the minus strand). VCF-style: chr17-81512340-G-A. GRCh37 (hg19) VCF-style: chr17-79479366-G-A.
Other names: c.15C>T, p.Ile5= (NM_001199954.3).
Identifiers: ClinVar variation 210092 (VCV000210092.29), dbSNP rs199657153, ClinGen allele CA205944.

ClinVar aggregate classification (germline): Benign/Likely benign. Review status: criteria provided, multiple submitters, no conflicts (2 of 4 stars). 7 submissions from 6 submitters: Benign (6); Likely benign (1). Last evaluated 2026-03-01.

Conditions:
Autosomal dominant nonsyndromic hearing loss 20. Identifiers: Orphanet 90635, MedGen C1858172, MONDO:0011480, OMIM 604717.
Baraitser-winter syndrome 2. Identifiers: Orphanet 2995, MedGen C3281235, MONDO:0013812, OMIM 614583.

Allele frequency attached by ClinVar (database versions not stated): ESP Exome Variant Server 0.00015; 1000 Genomes Project 30x 0.00219; 1000 Genomes Project 0.00260; TOPMed 0.00006.
gnomAD v4.1: 1,088 of 1,613,958 alleles (0.067%); highest among the groups gnomAD compares: South Asian, 1.1%; 23 homozygotes.

Submissions (7):

CeGaT Center for Human Genetics Tuebingen
Classification: Benign. Last evaluated: 2026-03-01. Review status: criteria provided, single submitter. Criteria: CeGaT Center For Human Genetics Tuebingen Variant Classification Criteria Version 2. Collection method: clinical testing. Allele origin: germline. Affected: yes. Observed: 2 variant alleles.
Comment: ACTG1: BP4, BP7, BS1, BS2

Labcorp Genetics (formerly Invitae), Labcorp
Classification: Benign for Baraitser-winter syndrome 2; Autosomal dominant nonsyndromic hearing loss 20. Last evaluated: 2025-12-19. Review status: criteria provided, single submitter. Criteria: Invitae Variant Classification Sherloc (09022015). Collection method: clinical testing. Allele origin: germline.

Genome-Nilou Lab
Classification: Benign for Baraitser-winter syndrome 2. Last evaluated: 2021-12-05. Review status: criteria provided, single submitter. Criteria: ACMG Guidelines, 2015. Collection method: clinical testing. Allele origin: germline. Affected: no.

Genome-Nilou Lab
Classification: Benign for Autosomal dominant nonsyndromic hearing loss 20. Last evaluated: 2021-12-05. Review status: criteria provided, single submitter. Criteria: ACMG Guidelines, 2015. Collection method: clinical testing. Allele origin: germline. Affected: no.

Fulgent Genetics
Classification: Likely benign for Autosomal dominant nonsyndromic hearing loss 20; Baraitser-winter syndrome 2. Last evaluated: 2021-08-11. Review status: criteria provided, single submitter. Criteria: ACMG Guidelines, 2015. Collection method: clinical testing. Allele origin: unknown.

GeneDx
Classification: Benign. Last evaluated: 2017-05-19. Review status: criteria provided, single submitter. Criteria: GeneDx Variant Classification (06012015). Collection method: clinical testing. Allele origin: germline. Affected: yes.
Comment: This variant is considered likely benign or benign based on one or more of the following criteria: it is a conservative change, it occurs at a poorly conserved position in the protein, it is predicted to be benign by multiple in silico algorithms, and/or has population frequency not consistent with disease.

Genetic Services Laboratory, University of Chicago
Classification: Benign. Last evaluated: 2016-03-18. Review status: criteria provided, single submitter. Criteria: ACMG Guidelines, 2015. Collection method: clinical testing. Allele origin: germline. Affected: no.